The following is an entry in ClinVar:

NM_182961.4(SYNE1):c.68A>T (p.Asp23Val)

Gene: SYNE1 (spectrin repeat containing nuclear envelope protein 1; minus strand). Cytogenetic location: 6q25.2.
Variant type: single nucleotide variant.
Coding change: c.68A>T on transcript NM_182961.4 (MANE Select); coding-DNA position 68, A replaced by T.
Protein change: p.Asp23Val; replaces aspartic acid 23 with valine.
Molecular consequence: missense variant.
Genome position (GRCh38, 1-based): chr6:152,540,021, T>A on the plus strand (A>T on the coding strand, the complement: SYNE1 is on the minus strand). VCF-style: chr6-152540021-T-A. GRCh37 (hg19) VCF-style: chr6-152861156-T-A.
Other names: c.68A>T, p.Asp23Val (NM_033071.5); short protein forms D23V.
Identifiers: ClinVar variation 3338403 (VCV003338403.1).

ClinVar aggregate classification (germline): Uncertain significance (1 of 4 stars; one submission).

Conditions:
Emery-Dreifuss muscular dystrophy 4, autosomal dominant (EDMD4). Also called: EMERY-DREIFUSS MUSCULAR DYSTROPHY 4 WITH VARIABLE FEATURES. Identifiers: Orphanet 261, MedGen C2751807, MONDO:0013071, OMIM 612998.

gnomAD v4.1: 1 of 1,613,776 alleles (0.000062%); highest among the groups gnomAD compares: Non-Finnish European, 0.000085%; no homozygotes.

Submission:

MVZ Medizinische Genetik Mainz
Classification: Uncertain significance for Emery-Dreifuss muscular dystrophy 4, autosomal dominant. Last evaluated: 2024-07-23. Review status: criteria provided, single submitter. Criteria: UK Practice Guidelines For Variant Classification V4 01 2020. Collection method: clinical testing. Allele origin: germline. Inheritance: Autosomal dominant inheritance. Affected: yes. Observed: 1 variant allele.
Comment: ACMG Criteria: PP3_MOD,PM2_SUP